The following is an entry in ClinVar:

NM_032119.4(ADGRV1):c.12896G>A (p.Arg4299Gln)

Gene: ADGRV1 (adhesion G protein-coupled receptor V1; plus strand). Cytogenetic location: 5q14.3.
Variant type: single nucleotide variant.
Coding change: c.12896G>A on transcript NM_032119.4 (MANE Select); coding-DNA position 12896, G replaced by A.
Protein change: p.Arg4299Gln; replaces arginine 4299 with glutamine.
Molecular consequence: missense variant. On other transcripts: non-coding transcript variant (1).
Genome position (GRCh38, 1-based): chr5:90,778,911, G>A. VCF-style: chr5-90778911-G-A. GRCh37 (hg19) VCF-style: chr5-90074728-G-A.
Other names: c.12896G>A (NM_032119.3); short protein forms R4299Q.
Identifiers: ClinVar variation 1420749 (VCV001420749.11), dbSNP rs767181564, ClinGen allele CA3341375.
Genomic context (GRCh38, chr5:90,778,911, plus strand): 5'-TGCATTTTGCATAGGTTAACATCACAATCATCCGTTCCAGTGGAGATTTTGGCCATGTGC[G>A]ACTCTGGTACAAGACGATGAGCGGGACAGCGGAAGCAGGCTTGGATTTTGTTCCTGCAGC-3'
Protein context (NP_115495.3, residues 4289-4309): IRSSGDFGHV[Arg4299Gln]LWYKTMSGTA

ClinVar aggregate classification (germline): Conflicting classifications of pathogenicity. Review status: criteria provided, conflicting classifications (1 of 4 stars). 5 submissions from 5 submitters: Uncertain significance (4); Likely benign (1). Last evaluated 2026-09-14.

Conditions:
ADGRV1-related disorder. Also called: ADGRV1-related disorders; ADGRV1-related condition.
Febrile seizures, familial, 4 (FEB4). Also called: CONVULSIONS, FAMILIAL FEBRILE, 4. Identifiers: MedGen C1858493, MONDO:0011443, OMIM 604352.

Allele frequency attached by ClinVar (database versions not stated): ExAC 0.00001; gnomAD exomes 0.00001; gnomAD 0.00002; TOPMed 0.00005.
gnomAD v4.1: 21 of 1,613,198 alleles (0.0013%); highest among the groups gnomAD compares: East Asian, 0.011%; no homozygotes.

Submissions (5):

PreventionGenetics, part of Exact Sciences
Classification: Uncertain significance for ADGRV1-related condition. Last evaluated: 2026-09-14. Review status: criteria provided, single submitter. Criteria: ACMG Guidelines, 2015. Collection method: clinical testing. Allele origin: germline.
Comment: The ADGRV1 c.12896G>A variant is predicted to result in the amino acid substitution p.Arg4299Gln. To our knowledge, this variant has not been reported in the literature. This variant is reported in 0.0065% of alleles in individuals of South Asian descent in gnomAD. At this time, the clinical significance of this variant is uncertain due to the absence of conclusive functional and genetic evidence.

Genomic Medicine Center of Excellence, King Faisal Specialist Hospital and Research Centre
Classification: Uncertain significance for Febrile seizures, familial, 4. Last evaluated: 2025-09-10. Review status: criteria provided, single submitter. Criteria: ACMG Guidelines, 2015. Collection method: clinical testing. Allele origin: germline.

Labcorp Genetics (formerly Invitae), Labcorp
Classification: Likely benign. Last evaluated: 2025-09-09. Review status: criteria provided, single submitter. Criteria: Invitae Variant Classification Sherloc (09022015). Collection method: clinical testing. Allele origin: germline.

Neuberg Centre For Genomic Medicine, NCGM
Classification: Uncertain significance for Febrile seizures, familial, 4. Last evaluated: 2023-06-02. Review status: criteria provided, single submitter. Criteria: ACMG Guidelines, 2015. Collection method: clinical testing. Allele origin: germline. Inheritance: Autosomal dominant inheritance. Affected: yes.
Comment: The missense variant c.12896G>A (p.Arg4299Gln) in ADGRV1 gene has not been reported previously as a pathogenic variant nor as a benign variant, to our knowledge. This variant is reported with the allele frequency (0.0008%) in the gnomAD Exomes. This variant has been reported to the ClinVar database as Uncertain Significance. However, no details are available for independent assessment. The amino acid Arginine at position 4299 is changed to a Glutamine changing protein sequence and it might alter its composition and physico- chemical properties. Computational evidence (Polyphen, SIFT and MutationTaster) predicts conflicting evidence on protein structure and function for this variant. The amino acid change p.Arg4299Gln in ADGRV1 is predicted as conserved by GERP++ and PhyloP across 100 vertebrates. For these reasons, this variant has been classified as Uncertain Significance.

GeneDx
Classification: Uncertain significance. Last evaluated: 2022-08-19. Review status: criteria provided, single submitter. Criteria: GeneDx Variant Classification Process June 2021. Collection method: clinical testing. Allele origin: germline. Affected: yes.
Comment: Not observed at significant frequency in large population cohorts (gnomAD); In silico analysis supports that this missense variant does not alter protein structure/function; Has not been previously published as pathogenic or benign to our knowledge